The following is an entry in ClinVar:

ClinVar aggregate classification (germline): Pathogenic (1 of 4 stars; one submission).

Conditions:
Familial adenomatous polyposis 4 (FAP4). Also called: MSH3-related attenuated familial adenomatous polyposis. Identifiers: Orphanet 480536, MedGen C4310719, MONDO:0044300, OMIM 617100.

Submission:

Myriad Genetics, Inc.
Classification: Pathogenic for Familial adenomatous polyposis 4. Last evaluated: 2023-08-29. Review status: criteria provided, single submitter. Criteria: Myriad Autosomal Dominant, Autosomal Recessive and X-Linked Classification Criteria (2023). Collection method: clinical testing. Allele origin: unknown.
Comment: This variant is considered pathogenic. This variant creates a frameshift predicted to result in premature protein truncation.

NM_002439.5(MSH3):c.1190del (p.Thr397fs)

Gene: MSH3 (mutS homolog 3; plus strand). Cytogenetic location: 5q14.1.
Variant type: Deletion.
Coding change: c.1190del on transcript NM_002439.5 (MANE Select); coding-DNA position 1190, one base deleted (C; older notation c.1190delC).
Protein change: p.Thr397fs; shifts the reading frame from threonine 397.
Molecular consequence: frameshift variant.
Genome position (GRCh38, 1-based): chr5:80,678,943, C deleted. VCF-style (leftmost placement, unchanged base first): chr5-80678942-AC-A. GRCh37 (hg19) VCF-style: chr5-79974761-AC-A.
Other names: short protein forms T397fs.
Identifiers: ClinVar variation 2673528 (VCV002673528.1), dbSNP rs2546726545, ClinGen allele CA2695198654.